The following is an entry in ClinVar:

ClinVar aggregate classification (germline): Uncertain significance (1 of 4 stars; one submission).

Conditions:
Malignant hyperthermia, susceptibility to, 5 (MHS5). Also called: CACNA1S-Related Malignant Hyperthermia Susceptibility. Identifiers: Orphanet 423, MedGen C1866077, MONDO:0011163, OMIM 601887.

Submission:

Color Diagnostics, LLC DBA Color Health
Classification: Uncertain significance for Malignant hyperthermia, susceptibility to, 5. Last evaluated: 2025-07-25. Review status: criteria provided, single submitter. Criteria: ACMG Guidelines, 2015. Collection method: clinical testing. Allele origin: germline.
Comment: This missense variant replaces isoleucine with serine at codon 1194 of the CACNA1S protein. Computational prediction suggests that this variant may have deleterious impact on protein structure and function. To our knowledge, functional studies have not been reported for this variant. This variant has not been reported in individuals affected with CACNA1S-related disorders in the literature. This variant has not been identified in the general population by the Genome Aggregation Database (gnomAD). The available evidence is insufficient to determine the role of this variant in disease conclusively. Therefore, this variant is classified as a Variant of Uncertain Significance.

NM_000069.3(CACNA1S):c.3581T>G (p.Ile1194Ser)

Gene: CACNA1S (calcium voltage-gated channel subunit alpha1 S; minus strand). Cytogenetic location: 1q32.1.
Variant type: single nucleotide variant.
Coding change: c.3581T>G on transcript NM_000069.3 (MANE Select); coding-DNA position 3581, T replaced by G.
Protein change: p.Ile1194Ser; replaces isoleucine 1194 with serine.
Molecular consequence: missense variant.
Genome position (GRCh38, 1-based): chr1:201,058,436, A>C on the plus strand (T>G on the coding strand, the complement: CACNA1S is on the minus strand). VCF-style: chr1-201058436-A-C. GRCh37 (hg19) VCF-style: chr1-201027564-A-C.
Other names: short protein forms I1194S.
Identifiers: ClinVar variation 4757723 (VCV004757723.1).